The following is an entry in ClinVar:

ClinVar aggregate classification (germline): Uncertain significance. Review status: criteria provided, multiple submitters, no conflicts (2 of 4 stars). 2 submissions from 2 submitters: Uncertain significance (2). Last evaluated 2023-10-22.

Allele frequency attached by ClinVar (database versions not stated): gnomAD 0.00001; gnomAD exomes 0.00001.
gnomAD v4.1: 4 of 1,614,148 alleles (0.00025%); highest among the groups gnomAD compares: Non-Finnish European, 0.00034%; no homozygotes.

Submissions (2):

Labcorp Genetics (formerly Invitae), Labcorp
Classification: Uncertain significance. Last evaluated: 2023-10-22. Review status: criteria provided, single submitter. Criteria: Invitae Variant Classification Sherloc (09022015). Collection method: clinical testing. Allele origin: germline.
Comment: This sequence change replaces isoleucine, which is neutral and non-polar, with valine, which is neutral and non-polar, at codon 1286 of the NPAT protein (p.Ile1286Val). This variant is not present in population databases (gnomAD no frequency). This variant has not been reported in the literature in individuals affected with NPAT-related conditions. ClinVar contains an entry for this variant (Variation ID: 1735554). Algorithms developed to predict the effect of missense changes on protein structure and function output the following: SIFT: "Not Available"; PolyPhen-2: "Benign"; Align-GVGD: "Not Available". The valine amino acid residue is found in multiple mammalian species, which suggests that this missense change does not adversely affect protein function. In summary, the available evidence is currently insufficient to determine the role of this variant in disease. Therefore, it has been classified as a Variant of Uncertain Significance.

Ambry Genetics
Classification: Uncertain significance. Last evaluated: 2021-12-22. Review status: criteria provided, single submitter. Criteria: Ambry Variant Classification Scheme 2023. Collection method: clinical testing. Allele origin: germline.
Comment: The p.I1286V variant (also known as c.3856A>G), located in coding exon 17 of the NPAT gene, results from an A to G substitution at nucleotide position 3856. The isoleucine at codon 1286 is replaced by valine, an amino acid with highly similar properties. This amino acid position is conserved. In addition, this alteration is predicted to be tolerated by in silico analysis. Since supporting evidence is limited at this time, the clinical significance of this alteration remains unclear.

NM_002519.3(NPAT):c.3856A>G (p.Ile1286Val)

Gene: NPAT (nuclear protein, coactivator of histone transcription; minus strand). Cytogenetic location: 11q22.3.
Variant type: single nucleotide variant.
Coding change: c.3856A>G on transcript NM_002519.3 (MANE Select); coding-DNA position 3856, A replaced by G.
Protein change: p.Ile1286Val; replaces isoleucine 1286 with valine.
Molecular consequence: missense variant.
Genome position (GRCh38, 1-based): chr11:108,161,230, T>C on the plus strand (A>G on the coding strand, the complement: NPAT is on the minus strand). VCF-style: chr11-108161230-T-C. GRCh37 (hg19) VCF-style: chr11-108031957-T-C.
Other names: c.3877A>G, p.Ile1293Val (NM_001321307.1); short protein forms I1286V, I1293V.
Identifiers: ClinVar variation 1735554 (VCV001735554.5), dbSNP rs2134817915, ClinGen allele CA382509897.